The following is an entry in ClinVar:

ClinVar aggregate classification (germline): Uncertain significance (1 of 4 stars; one submission).

Allele frequency attached by ClinVar (database versions not stated): ExAC 0.00008; ESP Exome Variant Server 0.00008.

Submission:

Labcorp Genetics (formerly Invitae), Labcorp
Classification: Uncertain significance. Last evaluated: 2022-10-24. Review status: criteria provided, single submitter. Criteria: Invitae Variant Classification Sherloc (09022015). Collection method: clinical testing. Allele origin: germline.
Comment: This sequence change replaces arginine, which is basic and polar, with cysteine, which is neutral and slightly polar, at codon 150 of the SLC38A8 protein (p.Arg150Cys). This variant is present in population databases (rs141999728, gnomAD 0.05%). This variant has not been reported in the literature in individuals affected with SLC38A8-related conditions. Advanced modeling of protein sequence and biophysical properties (such as structural, functional, and spatial information, amino acid conservation, physicochemical variation, residue mobility, and thermodynamic stability) performed at Invitae indicates that this missense variant is not expected to disrupt SLC38A8 protein function. In summary, the available evidence is currently insufficient to determine the role of this variant in disease. Therefore, it has been classified as a Variant of Uncertain Significance.

NM_001080442.3(SLC38A8):c.448C>T (p.Arg150Cys)

Gene: SLC38A8 (solute carrier family 38 member 8; minus strand). Cytogenetic location: 16q23.3.
Variant type: single nucleotide variant.
Coding change: c.448C>T on transcript NM_001080442.3 (MANE Select); coding-DNA position 448, C replaced by T.
Protein change: p.Arg150Cys; replaces arginine 150 with cysteine.
Molecular consequence: missense variant.
Genome position (GRCh38, 1-based): chr16:84,033,410, G>A on the plus strand (C>T on the coding strand, the complement: SLC38A8 is on the minus strand). VCF-style: chr16-84033410-G-A. GRCh37 (hg19) VCF-style: chr16-84067015-G-A.
Other names: short protein forms R150C.
Identifiers: ClinVar variation 2416527 (VCV002416527.3), dbSNP rs141999728, ClinGen allele CA8200281.